The following is an entry in ClinVar:

ClinVar aggregate classification (germline): Uncertain significance (1 of 4 stars; one submission).

Allele frequency attached by ClinVar (database versions not stated): TOPMed below 0.00001; ExAC 0.00005.
gnomAD v4.1: 2 of 1,557,838 alleles (0.00013%); highest among the groups gnomAD compares: East Asian, 0.0048%; no homozygotes.

Submission:

Labcorp Genetics (formerly Invitae), Labcorp
Classification: Uncertain significance. Last evaluated: 2023-05-16. Review status: criteria provided, single submitter. Criteria: Invitae Variant Classification Sherloc (09022015). Collection method: clinical testing. Allele origin: germline.
Comment: In summary, the available evidence is currently insufficient to determine the role of this variant in disease. Therefore, it has been classified as a Variant of Uncertain Significance. Algorithms developed to predict the effect of sequence changes on RNA splicing suggest that this variant may create or strengthen a splice site. This variant has not been reported in the literature in individuals affected with COL9A3-related conditions. This variant is not present in population databases (gnomAD no frequency). This sequence change falls in intron 13 of the COL9A3 gene. It does not directly change the encoded amino acid sequence of the COL9A3 protein.

NM_001853.4(COL9A3):c.684+15G>A

Gene: COL9A3 (collagen type IX alpha 3 chain; plus strand). Cytogenetic location: 20q13.33.
Variant type: single nucleotide variant.
Coding change: c.684+15G>A on transcript NM_001853.4 (MANE Select); 15 bases into the intron after coding-DNA position 684, G replaced by A.
Molecular consequence: intron variant.
Genome position (GRCh38, 1-based): chr20:62,825,885, G>A. VCF-style: chr20-62825885-G-A. GRCh37 (hg19) VCF-style: chr20-61457237-G-A.
Identifiers: ClinVar variation 2965659 (VCV002965659.3), dbSNP rs753291332, ClinGen allele CA9949434.